The following is an entry in ClinVar:

NM_000883.4(IMPDH1):c.582G>C (p.Lys194Asn)

Gene: IMPDH1 (inosine monophosphate dehydrogenase 1; minus strand). Cytogenetic location: 7q32.1.
Variant type: single nucleotide variant.
Coding change: c.582G>C on transcript NM_000883.4 (MANE Select); coding-DNA position 582, G replaced by C.
Protein change: p.Lys194Asn; replaces lysine 194 with asparagine.
Molecular consequence: missense variant.
Genome position (GRCh38, 1-based): chr7:128,400,537, C>G on the plus strand (G>C on the coding strand, the complement: IMPDH1 is on the minus strand). VCF-style: chr7-128400537-C-G. GRCh37 (hg19) VCF-style: chr7-128040591-C-G.
Other names: c.552G>C, p.Lys184Asn (NM_001102605.2); c.327G>C, p.Lys109Asn (NM_001142573.2); c.312G>C, p.Lys104Asn (NM_001142574.2); c.252G>C, p.Lys84Asn (NM_001142575.2); c.483G>C, p.Lys161Asn (NM_001142576.2); c.375G>C, p.Lys125Asn (NM_001304521.2); c.474G>C, p.Lys158Asn (NM_183243.3); short protein forms K161N, K184N, K109N, K194N, K84N, K158N, K104N, K125N.
Identifiers: ClinVar variation 968044 (VCV000968044.9), dbSNP rs1042252, ClinGen allele CA166128761.

ClinVar aggregate classification (germline): Uncertain significance (1 of 4 stars; one submission).

Submission:

Labcorp Genetics (formerly Invitae), Labcorp
Classification: Uncertain significance. Last evaluated: 2019-11-08. Review status: criteria provided, single submitter. Criteria: Invitae Variant Classification Sherloc (09022015). Collection method: clinical testing. Allele origin: germline.
Comment: This sequence change replaces lysine with asparagine at codon 194 of the IMPDH1 protein (p.Lys194Asn). The lysine residue is moderately conserved and there is a moderate physicochemical difference between lysine and asparagine. In summary, the available evidence is currently insufficient to determine the role of this variant in disease. Therefore, it has been classified as a Variant of Uncertain Significance. Algorithms developed to predict the effect of missense changes on protein structure and function (SIFT, PolyPhen-2, Align-GVGD) all suggest that this variant is likely to be tolerated, but these predictions have not been confirmed by published functional studies and their clinical significance is uncertain. This variant has not been reported in the literature in individuals with IMPDH1-related conditions. This variant is not present in population databases (ExAC no frequency).